The following is an entry in ClinVar:

NM_001378969.1(KCND3):c.247T>A (p.Phe83Ile)

Gene: KCND3 (potassium voltage-gated channel subfamily D member 3; minus strand). Cytogenetic location: 1p13.2.
Variant type: single nucleotide variant.
Coding change: c.247T>A on transcript NM_001378969.1 (MANE Select); coding-DNA position 247, T replaced by A.
Protein change: p.Phe83Ile; replaces phenylalanine 83 with isoleucine.
Molecular consequence: missense variant.
Genome position (GRCh38, 1-based): chr1:111,982,480, A>T on the plus strand (T>A on the coding strand, the complement: KCND3 is on the minus strand). VCF-style: chr1-111982480-A-T. GRCh37 (hg19) VCF-style: chr1-112525102-A-T.
Other names: c.247T>A, p.Phe83Ile (NM_001378970.1, NM_004980.5, NM_172198.3); short protein forms F83I.
Identifiers: ClinVar variation 4825791 (VCV004825791.1).
Genomic context (GRCh38, chr1:111,982,480, plus strand): 5'-GCTTCCCCGTGCGGTAGAAGTTGAGCACGCAGCGGAACACCTCGGGGTCCCGGTCGAAGA[A>T]GTACTCCTTGGTGTCCTCGTTGAAGAAGAACTCCTTCTCCGTGCTGCCCAGCAGGGTGTC-3'
Protein context (NP_001365898.1, residues 73-93): FFFNEDTKEY[Phe83Ile]FDRDPEVFRC

ClinVar aggregate classification (germline): Uncertain significance (1 of 4 stars; one submission).

Conditions:
Cardiovascular phenotype. Identifiers: MedGen CN230736.

Submission:

Ambry Genetics
Classification: Uncertain significance for Cardiovascular phenotype. Last evaluated: 2026-03-11. Review status: criteria provided, single submitter. Criteria: Ambry Variant Classification Scheme 2023. Collection method: clinical testing. Allele origin: germline.
Comment: The p.F83I variant (also known as c.247T>A), located in coding exon 1 of the KCND3 gene, results from a T to A substitution at nucleotide position 247. The phenylalanine at codon 83 is replaced by isoleucine, an amino acid with highly similar properties. This amino acid position is conserved. In addition, this alteration is predicted to be deleterious by in silico analysis. Based on the available evidence, the clinical significance of this variant remains unclear.